The following is an entry in ClinVar:

ClinVar aggregate classification (germline): Uncertain significance. Review status: criteria provided, multiple submitters, no conflicts (2 of 4 stars). 2 submissions from 2 submitters: Uncertain significance (2). Last evaluated 2025-04-26.

Conditions:
ZTTK syndrome (ZTTKS). Also called: Zhu-Tokita-Takenouchi-Kim Syndrome; ZTTK MULTIPLE CONGENITAL ANOMALIES-MENTAL RETARDATION SYNDROME. Identifiers: Orphanet 500150, MedGen C4310696, MONDO:0014936, OMIM 617140.
SON-related disorder. Also called: SON-related condition.

Allele frequency attached by ClinVar (database versions not stated): gnomAD exomes 0.00001; ESP Exome Variant Server 0.00008.
gnomAD v4.1: 8 of 1,614,162 alleles (0.0005%); highest among the groups gnomAD compares: East Asian, 0.011%; no homozygotes.

Submissions (2):

PreventionGenetics, part of Exact Sciences
Classification: Uncertain significance for SON-related condition. Last evaluated: 2025-04-26. Review status: criteria provided, single submitter. Criteria: ACMG Guidelines, 2015. Collection method: clinical testing. Allele origin: germline.
Comment: The SON c.3638C>T variant is predicted to result in the amino acid substitution p.Pro1213Leu. To our knowledge, this variant has not been reported in the literature. This variant is reported in 0.00088% of alleles in individuals of European (Non-Finnish) descent in gnomAD. At this time, the clinical significance of this variant is uncertain due to the absence of conclusive functional and genetic evidence.

Revvity Omics, Revvity
Classification: Uncertain significance for ZTTK syndrome. Last evaluated: 2022-06-29. Review status: criteria provided, single submitter. Criteria: ACMG Guidelines, 2015. Collection method: clinical testing. Allele origin: germline.

NM_138927.4(SON):c.3638C>T (p.Pro1213Leu)

Gene: SON (SON DNA and RNA binding protein; plus strand). Cytogenetic location: 21q22.11.
Variant type: single nucleotide variant.
Coding change: c.3638C>T on transcript NM_138927.4 (MANE Select); coding-DNA position 3638, C replaced by T.
Protein change: p.Pro1213Leu; replaces proline 1213 with leucine.
Molecular consequence: missense variant. On other transcripts: non-coding transcript variant (1), intron variant (1).
Genome position (GRCh38, 1-based): chr21:33,552,869, C>T. VCF-style: chr21-33552869-C-T. GRCh37 (hg19) VCF-style: chr21-34925175-C-T.
Other names: c.3638C>T, p.Pro1213Leu (NM_001291411.2, NM_001412133.1, NM_032195.3 and 2 more transcripts); c.245-4287C>T (NM_001291412.3); c.3638C>T (NM_138927.2); short protein forms P1213L.
Identifiers: ClinVar variation 2436228 (VCV002436228.4), dbSNP rs372461298, ClinGen allele CA320152449.